The following is an entry in ClinVar:

NC_000008.11:g.144516517_144516519inv

Gene: RECQL4 (RecQ like helicase 4; minus strand). Cytogenetic location: 8q24.3.
Variant type: Inversion.
Genome position: GRCh38 VCF-style: chr8-144516517-AAA-TTT. GRCh37 (hg19) VCF-style: chr8-145741901-AAA-TTT.
Identifiers: ClinVar variation 459507 (VCV000459507.5), ClinGen allele CA658657852.
Genomic context (GRCh38, chr8:144,516,517, plus strand): 5'-ATCAGAAGTTGTGATTCCTCTGAGCCTAGATCAGGCCTGCAGGCTTTGGGGGCCCCCAGA[AAA>TTT]TCTGGGACCTCACTGTGACATCGCTGTAACCAGCCAGGATCTAGGGAGCCCAGCCGCTGG-3'

ClinVar aggregate classification (germline): Uncertain significance (1 of 4 stars; one submission).

Conditions:
Baller-Gerold syndrome (BGS). Also called: CRANIOSYNOSTOSIS WITH RADIAL DEFECTS. Identifiers: Orphanet 1225, MedGen C0265308, MONDO:0009039, OMIM 218600.

Submission:

Labcorp Genetics (formerly Invitae), Labcorp
Classification: Uncertain significance for Baller-Gerold syndrome. Last evaluated: 2024-08-15. Review status: criteria provided, single submitter. Criteria: Invitae Variant Classification Sherloc (09022015). Collection method: clinical testing. Allele origin: germline.
Comment: This variant, c.600_602delinsAAA, is a complex sequence change that results in the deletion of 2 and insertion of 2 amino acid(s) in the RECQL4 protein (p.Asp200_Phe201delinsGluAsn). Information on the frequency of this variant in the gnomAD database is not available, as this variant may be reported differently in the database. This variant has not been reported in the literature in individuals affected with RECQL4-related conditions. ClinVar contains an entry for this variant (Variation ID: 459507). Experimental studies and prediction algorithms are not available or were not evaluated, and the functional significance of this variant is currently unknown. In summary, the available evidence is currently insufficient to determine the role of this variant in disease. Therefore, it has been classified as a Variant of Uncertain Significance.